The following is an entry in ClinVar:

NM_004629.2(FANCG):c.253G>T (p.Ala85Ser)

Gene: FANCG (FA complementation group G; minus strand). Cytogenetic location: 9p13.3.
Variant type: single nucleotide variant.
Coding change: c.253G>T on transcript NM_004629.2 (MANE Select); coding-DNA position 253, G replaced by T.
Protein change: p.Ala85Ser; replaces alanine 85 with serine.
Molecular consequence: missense variant.
Genome position (GRCh38, 1-based): chr9:35,078,659, C>A on the plus strand (G>T on the coding strand, the complement: FANCG is on the minus strand). VCF-style: chr9-35078659-C-A. GRCh37 (hg19) VCF-style: chr9-35078656-C-A.
Other names: short protein forms A85S.
Identifiers: ClinVar variation 4022470 (VCV004022470.1).
Genomic context (GRCh38, chr9:35,078,659, plus strand): 5'-CCTCACCTCTCTCTAGGCTCCGCTGGATATCCTGGGCCTGATCCTCTGTGAAACCCTGGG[C>A]CAAGCTTGCCCTCAGGATAATGAAGTTGCAGGTGACAGTCAGCTCCAAGGGAAGAACAGG-3'
Protein context (NP_004620.1, residues 75-95): CNFIILRASL[Ala85Ser]QGFTEDQAQD

ClinVar aggregate classification (germline): Uncertain significance (1 of 4 stars; one submission).

Conditions:
Inborn genetic diseases. Identifiers: MedGen C0950123, MeSH D030342.

Submission:

Ambry Genetics
Classification: Uncertain significance for Inborn genetic diseases. Last evaluated: 2025-04-01. Review status: criteria provided, single submitter. Criteria: Ambry Variant Classification Scheme 2023. Collection method: clinical testing. Allele origin: germline.
Comment: The p.A85S variant (also known as c.253G>T), located in coding exon 3 of the FANCG gene, results from a G to T substitution at nucleotide position 253. The alanine at codon 85 is replaced by serine, an amino acid with similar properties. This amino acid position is conserved. In addition, this alteration is predicted to be tolerated by in silico analysis. Based on the available evidence, the clinical significance of this variant remains unclear.